The following is an entry in ClinVar:

NM_000092.5(COL4A4):c.1202C>T (p.Ala401Val)

Gene: COL4A4 (collagen type IV alpha 4 chain; minus strand). Cytogenetic location: 2q36.3.
Variant type: single nucleotide variant.
Coding change: c.1202C>T on transcript NM_000092.5 (MANE Select); coding-DNA position 1202, C replaced by T.
Protein change: p.Ala401Val; replaces alanine 401 with valine.
Molecular consequence: missense variant.
Genome position (GRCh38, 1-based): chr2:227,098,696, G>A on the plus strand (C>T on the coding strand, the complement: COL4A4 is on the minus strand). VCF-style: chr2-227098696-G-A. GRCh37 (hg19) VCF-style: chr2-227963412-G-A.
Other names: short protein forms A401V.
Identifiers: ClinVar variation 504909 (VCV000504909.26), dbSNP rs199581317, ClinGen allele CA2145260.

ClinVar aggregate classification (germline): Benign/Likely benign. Review status: criteria provided, multiple submitters, no conflicts (2 of 4 stars). 7 submissions from 7 submitters: Benign (3); Likely benign (3). 1 of the submissions does not count toward it. Last evaluated 2026-01-28.

Conditions:
Alport syndrome. Also called: Hemorrhagic familial nephritis; Hemorrhagic hereditary nephritis; Congenital hereditary hematuria. Identifiers: Orphanet 63, MedGen C1567741, MONDO:0018965.
Kidney disorder. Also called: renal disease; Nephropathy; Kidney disease; Kidney Diseases; renal disorder. Identifiers: MedGen C0022658, MONDO:0005240, HP:0000112.

Allele frequency attached by ClinVar (database versions not stated): gnomAD 0.00058 and 0.00003; gnomAD exomes 0.00121 and 0.00264; 1000 Genomes Project 30x 0.00281; ExAC 0.00300; 1000 Genomes Project 0.00319; TOPMed 0.00014.
gnomAD v4.1: 1,868 of 1,613,376 alleles (0.12%); highest among the groups gnomAD compares: South Asian, 1.8%; 36 homozygotes.

Submissions (8):

Labcorp Genetics (formerly Invitae), Labcorp
Classification: Benign. Last evaluated: 2026-01-28. Review status: criteria provided, single submitter. Criteria: Invitae Variant Classification Sherloc (09022015). Collection method: clinical testing. Allele origin: germline.

Blueprint Genetics
Classification: Likely benign. Last evaluated: 2024-11-19. Review status: criteria provided, single submitter. Criteria: ACMG Guidelines, 2015. Collection method: clinical testing. Allele origin: germline.

Genome Diagnostics Laboratory, The Hospital for Sick Children
Classification: Likely benign for Kidney disorder. Last evaluated: 2020-07-01. Review status: criteria provided, single submitter. Criteria: ACMG Guidelines, 2015. Collection method: clinical testing. Allele origin: germline.

GeneDx
Classification: Benign. Last evaluated: 2020-03-06. Review status: criteria provided, single submitter. Criteria: GeneDx Variant Classification Process June 2021. Collection method: clinical testing. Allele origin: germline. Affected: yes.

Illumina Laboratory Services, Illumina
Classification: Likely benign for Alport syndrome. Last evaluated: 2018-01-13. Review status: criteria provided, single submitter. Criteria: ICSL Variant Classification Criteria 13 December 2019. Collection method: clinical testing. Allele origin: germline.
Comment: This variant was observed in the ICSL laboratory as part of a predisposition screen in an ostensibly healthy population. It had not been previously curated by ICSL or reported in the Human Gene Mutation Database (HGMD: prior to June 1st, 2018), and was therefore a candidate for classification through an automated scoring system. Utilizing variant allele frequency, disease prevalence and penetrance estimates, and inheritance mode, an automated score was calculated to assess if this variant is too frequent to cause the disease. Based on the score and internal cut-off values, a variant classified as likely benign is not then subjected to further curation. The score for this variant resulted in a classification of likely benign for this disease.

Laboratory for Molecular Medicine, Mass General Brigham Personalized Medicine
Classification: Benign. Last evaluated: 2016-03-21. Review status: criteria provided, single submitter. Criteria: LMM Criteria. Collection method: clinical testing. Allele origin: germline. Observed: 1 variant allele.
Comment: p.Ala401Val in exon 19 of COL4A4: This variant is not expected to have clinical significance because it has been identified in 2.02% (333/16454) of South Asian chromosomes by the Exome Aggregation Consortium (ExAC; dbSNP rs199581317).

Natera, Inc.
Classification: Benign for Alport syndrome. Last evaluated: 2020-09-16. Review status: no assertion criteria provided. Collection method: clinical testing. Allele origin: germline. Not counted in ClinVar's aggregate classification.

Dr. Peter K. Rogan Lab, Western University
No classification provided (evidence only). Condition: Thyroid cancer, nonmedullary, 1. Review status: no classification provided. Collection method: in vitro. Allele origin: not applicable. Functional consequence: retained intron. Not counted in ClinVar's aggregate classification.